The following is an entry in ClinVar:

ClinVar aggregate classification (germline): Uncertain significance (1 of 4 stars; one submission).

Conditions:
Sitosterolemia (STSL). Also called: PHYTOSTEROLEMIA. Identifiers: Orphanet 2882, MedGen C0342907, MONDO:0008863.

Allele frequency attached by ClinVar (database versions not stated): gnomAD exomes below 0.00001; ExAC 0.00001.
gnomAD v4.1: 1 of 1,613,990 alleles (0.000062%); highest among the groups gnomAD compares: South Asian, 0.0011%; no homozygotes.

Submission:

Labcorp Genetics (formerly Invitae), Labcorp
Classification: Uncertain significance for Sitosterolemia. Last evaluated: 2021-03-23. Review status: criteria provided, single submitter. Criteria: Invitae Variant Classification Sherloc (09022015). Collection method: clinical testing. Allele origin: germline.
Comment: In summary, the available evidence is currently insufficient to determine the role of this variant in disease. Therefore, it has been classified as a Variant of Uncertain Significance. Algorithms developed to predict the effect of missense changes on protein structure and function (SIFT, PolyPhen-2, Align-GVGD) all suggest that this variant is likely to be disruptive, but these predictions have not been confirmed by published functional studies and their clinical significance is uncertain. This variant has not been reported in the literature in individuals with ABCG5-related conditions. This variant is present in population databases (rs767648807, ExAC 0.006%). This sequence change replaces aspartic acid with histidine at codon 308 of the ABCG5 protein (p.Asp308His). The aspartic acid residue is highly conserved and there is a moderate physicochemical difference between aspartic acid and histidine.

NM_022436.3(ABCG5):c.922G>C (p.Asp308His)

Genes: ABCG5 (ATP binding cassette subfamily G member 5; minus strand), DYNC2LI1 (dynein cytoplasmic 2 light intermediate chain 1; plus strand). Cytogenetic location: 2p21.
Variant type: single nucleotide variant.
Coding change: c.922G>C on transcript NM_022436.3 (MANE Select); coding-DNA position 922, G replaced by C.
Protein change: p.Asp308His; replaces aspartic acid 308 with histidine.
Molecular consequence: missense variant. On other transcripts: intron variant (2).
Genome position (GRCh38, 1-based): chr2:43,824,415, C>G on the plus strand (G>C on the coding strand, the complement: ABCG5 is on the minus strand). VCF-style: chr2-43824415-C-G. GRCh37 (hg19) VCF-style: chr2-44051554-C-G.
Other names: c.*16-2971C>G (NM_001348913.2, NM_001348912.2); short protein forms D308H.
Identifiers: ClinVar variation 1474383 (VCV001474383.8), dbSNP rs767648807, ClinGen allele CA1636440.